The following is an entry in ClinVar:

ClinVar aggregate classification (germline): Uncertain significance (1 of 4 stars; one submission).

Submission:

Labcorp Genetics (formerly Invitae), Labcorp
Classification: Uncertain significance. Last evaluated: 2023-09-04. Review status: criteria provided, single submitter. Criteria: Invitae Variant Classification Sherloc (09022015). Collection method: clinical testing. Allele origin: germline.
Comment: This sequence change replaces glutamic acid, which is acidic and polar, with lysine, which is basic and polar, at codon 958 of the MICAL1 protein (p.Glu958Lys). This variant is not present in population databases (gnomAD no frequency). This variant has not been reported in the literature in individuals affected with MICAL1-related conditions. An algorithm developed to predict the effect of missense changes on protein structure and function (PolyPhen-2) suggests that this variant is likely to be disruptive. In summary, the available evidence is currently insufficient to determine the role of this variant in disease. Therefore, it has been classified as a Variant of Uncertain Significance.

NM_022765.4(MICAL1):c.2815G>A (p.Glu939Lys)

Gene: MICAL1 (microtubule associated monooxygenase, calponin and LIM domain containing 1; minus strand). Cytogenetic location: 6q21.
Variant type: single nucleotide variant.
Coding change: c.2815G>A on transcript NM_022765.4 (MANE Select); coding-DNA position 2815, G replaced by A.
Protein change: p.Glu939Lys; replaces glutamic acid 939 with lysine.
Molecular consequence: missense variant.
Genome position (GRCh38, 1-based): chr6:109,445,263, C>T on the plus strand (G>A on the coding strand, the complement: MICAL1 is on the minus strand). VCF-style: chr6-109445263-C-T. GRCh37 (hg19) VCF-style: chr6-109766466-C-T.
Other names: c.2557G>A, p.Glu853Lys (NM_001159291.2); c.2872G>A, p.Glu958Lys (NM_001286613.2); short protein forms E853K, E939K, E958K.
Identifiers: ClinVar variation 2815657 (VCV002815657.3), dbSNP rs772927131, ClinGen allele CA365221602.